The following is an entry in ClinVar:

NM_021098.3(CACNA1H):c.4742T>G (p.Leu1581Arg)

Gene: CACNA1H (calcium voltage-gated channel subunit alpha1 H; plus strand). Cytogenetic location: 16p13.3.
Variant type: single nucleotide variant.
Coding change: c.4742T>G on transcript NM_021098.3 (MANE Select); coding-DNA position 4742, T replaced by G.
Protein change: p.Leu1581Arg; replaces leucine 1581 with arginine.
Molecular consequence: missense variant.
Genome position (GRCh38, 1-based): chr16:1,212,121, T>G. VCF-style: chr16-1212121-T-G. GRCh37 (hg19) VCF-style: chr16-1262121-T-G.
Other names: c.4742T>G, p.Leu1581Arg (NM_001005407.2); short protein forms L1581R.
Identifiers: ClinVar variation 1698229 (VCV001698229.2), dbSNP rs763158238, ClinGen allele CA394181188.

ClinVar aggregate classification (germline): Uncertain significance (1 of 4 stars; one submission).

gnomAD v4.1: 1 of 1,607,264 alleles (0.000062%); highest among the groups gnomAD compares: South Asian, 0.0011%; no homozygotes.

Submission:

GeneDx
Classification: Uncertain significance. Last evaluated: 2022-01-24. Review status: criteria provided, single submitter. Criteria: GeneDx Variant Classification Process June 2021. Collection method: clinical testing. Allele origin: germline. Affected: yes.
Comment: Not observed at significant frequency in large population cohorts (gnomAD); In silico analysis supports that this missense variant has a deleterious effect on protein structure/function; Has not been previously published as pathogenic or benign to our knowledge